The following is an entry in ClinVar:

NM_000051.4(ATM):c.901G>A (p.Gly301Ser)

Gene: ATM (ATM serine/threonine kinase; plus strand). Cytogenetic location: 11q22.3.
Variant type: single nucleotide variant.
Coding change: c.901G>A on transcript NM_000051.4 (MANE Select); coding-DNA position 901, G replaced by A.
Protein change: p.Gly301Ser; replaces glycine 301 with serine.
Molecular consequence: missense variant.
Genome position (GRCh38, 1-based): chr11:108,245,026, G>A. VCF-style: chr11-108245026-G-A. GRCh37 (hg19) VCF-style: chr11-108115753-G-A.
Other names: c.901G>A, p.Gly301Ser (NM_001351834.2); short protein forms G301S.
Identifiers: ClinVar variation 424991 (VCV000424991.61), dbSNP rs1064797160, ClinGen allele CA16621626.

ClinVar aggregate classification (germline): Conflicting classifications of pathogenicity. Review status: criteria provided, conflicting classifications (1 of 4 stars). 7 submissions from 7 submitters: Pathogenic (1); Likely pathogenic (4); Uncertain significance (1). 1 of the submissions does not count toward it. Last evaluated 2025-12-23.

Conditions:
Hereditary cancer-predisposing syndrome. Also called: Tumor predisposition; Hereditary neoplastic syndrome; Hereditary Cancer Syndrome; Neoplastic Syndromes, Hereditary. Identifiers: Orphanet 140162, MedGen C0027672, MeSH D009386, MONDO:0015356.
Ataxia-telangiectasia syndrome (AT). Also called: LOUIS-BAR SYNDROME; Ataxia-telangiectasia, complementation group E; Ataxia telangiectasia (A-T); Cerebello-oculocutaneous telangiectasia; Immunodeficiency with ataxia telangiectasia; Ataxia-telangiectasia, complementation group D. Identifiers: Orphanet 100, MedGen C0004135, MONDO:0008840, OMIM 208900.
Familial cancer of breast. Also called: hereditary breast carcinoma; BREAST CANCER, FAMILIAL; Hereditary breast cancer. Identifiers: Orphanet 227535, MedGen C0346153, MONDO:0016419, OMIM 114480. Disease mechanism: loss of function.

Submissions (7):

Labcorp Genetics (formerly Invitae), Labcorp
Classification: Likely pathogenic for Ataxia-telangiectasia syndrome. Last evaluated: 2025-12-23. Review status: criteria provided, single submitter. Criteria: Invitae Variant Classification Sherloc (09022015). Collection method: clinical testing. Allele origin: germline.
Comment: This sequence change replaces glycine, which is neutral and non-polar, with serine, which is neutral and polar, at codon 301 of the ATM protein (p.Gly301Ser). RNA analysis indicates that this missense change induces altered splicing and may result in an absent or altered protein product. This variant is not present in population databases (gnomAD no frequency). This missense change has been observed in individual(s) with cancer and with clinical features of ataxia-telangiectasia (PMID: 15643608, 31843900). ClinVar contains an entry for this variant (Variation ID: 424991). An algorithm developed to predict the effect of missense changes on protein structure and function (PolyPhen-2) suggests that this variant is likely to be tolerated. Studies have shown that this missense change alters ATM gene expression (PMID: 15643608). Variants that disrupt the consensus splice site are a relatively common cause of aberrant splicing (PMID: 17576681, 9536098). Studies have shown that this missense change results in skipping of exon 7, and produces a non-functional protein and/or introduces a premature termination codon (PMID: 15643608, 31843900). In summary, the currently available evidence indicates that the variant is pathogenic, but additional data are needed to prove that conclusively. Therefore, this variant has been classified as Likely Pathogenic.

Natera, Inc.
Classification: Likely pathogenic for Ataxia-telangiectasia. Last evaluated: 2024-12-16. Review status: criteria provided, single submitter. Criteria: Natera Variant Classification Schema (03/2026). Collection method: clinical testing. Allele origin: germline.
Comment: The c.901G>A variant in ATM is a missense variant predicted to cause substitution of glycine to serine at amino acid 301. This variant is rare in the general population with a frequency below the threshold expected for the associated phenotype(s). This variant has been observed in one or more individuals affected with the associated recessive disease, as either homozygous or compound heterozygous with a second variant (PMID: 15643608). Functional studies show that this variant may disrupt protein function (PMID: 15643608). Computational prediction algorithms indicate this variant is likely to affect gene or protein function. Given the available evidence, this variant is classified as Likely Pathogenic.

Ambry Genetics
Classification: Pathogenic for Hereditary cancer-predisposing syndrome. Last evaluated: 2024-11-29. Review status: criteria provided, single submitter. Criteria: Ambry Variant Classification Scheme 2023. Collection method: clinical testing. Allele origin: germline.
Comment: The c.901G>A pathogenic mutation (also known as p.G301S), located in coding exon 6 of the ATM gene, results from a G to A substitution at nucleotide position 901. The amino acid change results in glycine to serine at codon 301, an amino acid with similar properties. However, this change occurs in the last base pair of coding exon 6, which makes it likely to have some effect on normal mRNA splicing. This alteration has been reported in a patient with ataxia-telangiectasia (AT) (Coutinho G et al. Hum Mutat, 2005 Feb;25:118-24). This nucleotide position is highly conserved in available vertebrate species. In silico splice site analysis predicts that this alteration will weaken the native splice donor site. RNA studies have demonstrated that this alteration results in abnormal splicing in the set of samples tested (Ambry internal data; Casadei S et al. Proc Natl Acad Sci U S A, 2019 Dec). Another alteration impacting the same donor site (c.901+1G>A) has been reported in individuals with ataxia-telangiectasia (Mitui M et al. Hum. Mutat. 2003 Jul;22(1):43-50) and was shown to have a similar impact on splicing (Ambry internal data). This variant is considered to be rare based on population cohorts in the Genome Aggregation Database (gnomAD). Based on the supporting evidence, this alteration is interpreted as a disease-causing mutation.

Fulgent Genetics
Classification: Likely pathogenic for Familial cancer of breast; Ataxia-telangiectasia syndrome. Last evaluated: 2024-03-20. Review status: criteria provided, single submitter. Criteria: ACMG Guidelines, 2015. Collection method: clinical testing. Allele origin: germline.

Color Diagnostics, LLC DBA Color Health
Classification: Likely pathogenic for Hereditary cancer-predisposing syndrome. Last evaluated: 2021-03-29. Review status: criteria provided, single submitter. Criteria: ACMG Guidelines, 2015. Collection method: clinical testing. Allele origin: germline.
Comment: This variant causes a G to A nucleotide substitution at the last nucleotide of exon 7 of the ATM gene and replaces glycine with serine at codon 301 of the ATM protein. Computational prediction suggests that this variant may not impact protein structure and function (internally defined REVEL score threshold <= 0.5, PMID: 27666373). Splice site prediction tools suggest that this variant may have a significant impact on RNA splicing. RNA studies using carrier-derived RNA have shown that this variant leads to the skipping of exon 7 (PMID: 15643608, 31843900). The aberrant transcript is predicted to create a premature translation stop signal and to result in an absent or non-functional protein product. This variant has been reported in an individual affected with ataxia telangiectasia (PMID: 15643608). This variant has not been identified in the general population by the Genome Aggregation Database (gnomAD). Loss of ATM function is a known mechanism of disease. Based on the available evidence, this variant is classified as Likely Pathogenic.

CeGaT Center for Human Genetics Tuebingen
Classification: Uncertain significance. Last evaluated: 2016-09-01. Review status: criteria provided, single submitter. Criteria: CeGaT Center For Human Genetics Tuebingen Variant Classification Criteria Version 2. Collection method: clinical testing. Allele origin: germline. Affected: yes. Observed: 1 variant allele.

King Laboratory, University of Washington
Classification: Pathogenic for Familial cancer of breast. Last evaluated: 2019-09-01. Review status: no assertion criteria provided. Collection method: research. Allele origin: germline. Affected: yes. Not counted in ClinVar's aggregate classification.
Comment: Transcript analysis by cBROCA

Literature cited by the submitters: PubMed 15643608 (cited by 3 submitters); PubMed 31843900 (cited by 3 submitters); PubMed 17576681 (cited by Labcorp Genetics (formerly Invitae), Labcorp); PubMed 9536098 (cited by Labcorp Genetics (formerly Invitae), Labcorp).